The following is an entry in ClinVar:

ClinVar aggregate classification (germline): Conflicting classifications of pathogenicity. Review status: criteria provided, conflicting classifications (1 of 4 stars). 5 submissions from 5 submitters: Pathogenic (1); Likely pathogenic (1); Uncertain significance (3). Last evaluated 2023-05-01.

Conditions:
Inborn genetic diseases. Identifiers: MedGen C0950123, MeSH D030342.
Intellectual developmental disorder with dysmorphic facies and ptosis (IDDDFP). Identifiers: Orphanet 698090, MedGen C4310617, MONDO:0015022, OMIM 617333.

Submissions (5):

CeGaT Center for Human Genetics Tuebingen
Classification: Likely pathogenic. Last evaluated: 2023-05-01. Review status: criteria provided, single submitter. Criteria: CeGaT Center For Human Genetics Tuebingen Variant Classification Criteria Version 2. Collection method: clinical testing. Allele origin: germline. Affected: yes. Observed: 1 variant allele.
Comment: BRPF1: PVS1

GeneDx
Classification: Uncertain significance. Last evaluated: 2022-08-18. Review status: criteria provided, single submitter. Criteria: GeneDx Variant Classification Process June 2021. Collection method: clinical testing. Allele origin: germline. Affected: yes.
Comment: Frameshift variant predicted to result in protein truncation or nonsense mediated decay in a gene for which loss-of-function is a known mechanism of disease; Has not been previously published as pathogenic or benign to our knowledge

Mendelics
Classification: Uncertain significance. Last evaluated: 2022-05-04. Review status: criteria provided, single submitter. Criteria: Mendelics Assertion Criteria 2019. Collection method: clinical testing. Allele origin: germline.

Center for Human Genetics and Genomic Medicine, Uniklinik Rwth Aachen
Classification: Uncertain significance for Intellectual developmental disorder with dysmorphic facies and ptosis. Last evaluated: 2021-02-09. Review status: criteria provided, single submitter. Criteria: ACMG Guidelines, 2015. Collection method: clinical testing. Allele origin: unknown. Inheritance: Autosomal dominant inheritance. Affected: yes.
Comment: The detected change is reported in the dbSNP database (dbSNP150) with the designation rs762904815. In gnomAD it is listed with a frequency of 0.005% (13/235928) (December 18, 2020). The change has already been entered once as pathogenic in ClinVar (RCV000623556.1). The variant leads to a frameshift. Nonsense and frameshift variants in the BRPF1 gene have already been described as disease causing in the literature (Mattioli et al., 2017; Yan et al., 2017). However, these are not subject to a full nonsense-mediated decay. A loss of function of the mutated allele could be shown in various patients, so that haploinsufficiency is assumed to be the underlying disease mechanism. Based on the current state of knowledge, the effect of the change demonstrated here cannot be predicted with certainty, so that, based on the current state of knowledge, the change can be classified as a "variant of uncertain clinical significance" (ACMG criteria).

Ambry Genetics
Classification: Pathogenic for Inborn genetic diseases. Last evaluated: 2017-05-18. Review status: criteria provided, single submitter. Criteria: Ambry exome assertion method (8-5-2015). Collection method: clinical testing. Allele origin: germline. Affected: yes. Observed: 1 variant allele.

NM_001003694.2(BRPF1):c.2812dup (p.Gln938fs)

Gene: BRPF1 (bromodomain and PHD finger containing 1; plus strand). Cytogenetic location: 3p25.3.
Variant type: Duplication.
Coding change: c.2812dup on transcript NM_001003694.2 (MANE Select); coding-DNA position 2812, one base duplicated (C; older notation c.2812dupC).
Protein change: p.Gln938fs; shifts the reading frame from glutamine 938.
Molecular consequence: frameshift variant. On other transcripts: non-coding transcript variant (1), intron variant (1).
Genome position (GRCh38, 1-based): chr3:9,744,400, C duplicated; the last of 7 consecutive C bases (chr3:9,744,394-9,744,400); duplicating any one gives the same sequence. VCF-style (leftmost placement, unchanged base first): chr3-9744393-G-GC. GRCh37 (hg19) VCF-style: chr3-9786077-G-GC.
Other names: c.2791dup, p.Gln931fs (NM_001319050.2); c.2794dup, p.Gln932fs (NM_004634.3); c.2617+499dup (NM_001319049.2); c.2812dupC (NM_001003694.1); short protein forms Q931fs, Q932fs, Q938fs.
Identifiers: ClinVar variation 521797 (VCV000521797.37), dbSNP rs762904815, ClinGen allele CA2242203.